The following is an entry in ClinVar:

ClinVar aggregate classification (germline): Uncertain significance (1 of 4 stars; one submission).

Conditions:
Epidermolysis bullosa simplex, Ogna type (EBS5A). Also called: Pidermolysis bullosa simplex 5A, Ogna type; EPIDERMOLYSIS BULLOSA SIMPLEX 5A, OGNA TYPE. Identifiers: Orphanet 79401, MedGen C0432317, MONDO:0007555, OMIM 131950.
Epidermolysis bullosa simplex 5C, with pyloric atresia (EBS5C). Also called: PLEC-Related Epidermolysis Bullosa with Pyloric Atresia; Epidermolysis bullosa simplex with pyloric atresia; PLEC1-Related Epidermolysis Bullosa with Pyloric Atresia. Identifiers: Orphanet 158684, MedGen C2677349, MONDO:0012807, OMIM 612138.
Autosomal recessive limb-girdle muscular dystrophy type 2Q (LGMDR17). Also called: MUSCULAR DYSTROPHY, LIMB-GIRDLE, AUTOSOMAL RECESSIVE 17. Identifiers: Orphanet 254361, MedGen C3150989, MONDO:0013390, OMIM 613723.
Epidermolysis bullosa simplex 5B, with muscular dystrophy (EBS5B). Also called: Epidermolysis bullosa simplex with muscular dystrophy; EPIDERMOLYSIS BULLOSA SIMPLEX AND LIMB-GIRDLE MUSCULAR DYSTROPHY. Identifiers: Orphanet 257, MedGen C2931072, MONDO:0009181, OMIM 226670.
Epidermolysis bullosa simplex with nail dystrophy (EBS5D). Identifiers: MedGen C4225309, MONDO:0014661, OMIM 616487.

Submission:

Labcorp Genetics (formerly Invitae), Labcorp
Classification: Uncertain significance for Autosomal recessive limb-girdle muscular dystrophy type 2Q; Epidermolysis bullosa simplex, Ogna type; Epidermolysis bullosa simplex with nail dystrophy; Epidermolysis bullosa simplex 5C, with pyloric atresia; Epidermolysis bullosa simplex 5B, with muscular dystrophy. Last evaluated: 2022-09-17. Review status: criteria provided, single submitter. Criteria: Invitae Variant Classification Sherloc (09022015). Collection method: clinical testing. Allele origin: germline.
Comment: Experimental studies and prediction algorithms are not available or were not evaluated, and the functional significance of this variant is currently unknown. This variant has not been reported in the literature in individuals affected with PLEC-related conditions. This variant is not present in population databases (gnomAD no frequency). This variant, c.12085_12090del, results in the deletion of 2 amino acid(s) of the PLEC protein (p.Asp4029_Lys4030del), but otherwise preserves the integrity of the reading frame. In summary, the available evidence is currently insufficient to determine the role of this variant in disease. Therefore, it has been classified as a Variant of Uncertain Significance.

NM_201384.3(PLEC):c.12004_12009del (p.Asp4002_Lys4003del)

Gene: PLEC (plectin; minus strand). Cytogenetic location: 8q24.3.
Variant type: Deletion.
Coding change: c.12004_12009del on transcript NM_201384.3 (MANE Select); coding-DNA positions 12004 to 12009, 6 bases deleted (GACAAG; older notation c.12004_12009delGACAAG).
Protein change: p.Asp4002_Lys4003del.
Molecular consequence: inframe deletion. On other transcripts: inframe indel (1).
Genome position (GRCh38, 1-based): chr8:143,917,812-143,917,817, CTTGTC deleted on the plus strand (GACAAG on the coding strand, the reverse complement: PLEC is on the minus strand); deleting any 6 consecutive bases within chr8:143,917,812-143,917,821 gives the same sequence; the c. name uses the placement nearest the transcript's 3' end. VCF-style (leftmost placement, unchanged base first): chr8-143917811-GCTTGTC-G. GRCh37 (hg19) VCF-style: chr8-144991979-GCTTGTC-G.
Other names: c.12085_12090del, p.Asp4029_Lys4030del (NM_000445.5); c.8700_8705delCAAGGA, p.Asp2902_Lys2903del (NM_001410941.1); c.11962_11967del, p.Asp3988_Lys3989del (NM_201378.4); c.11938_11943del, p.Asp3980_Lys3981del (NM_201379.3); c.12415_12420del, p.Asp4139_Lys4140del (NM_201380.4); c.11908_11913del, p.Asp3970_Lys3971del (NM_201381.3); c.12004_12009del, p.Asp4002_Lys4003del (NM_201382.4); c.12016_12021del, p.Asp4006_Lys4007del (NM_201383.3).
Identifiers: ClinVar variation 2030969 (VCV002030969.4), dbSNP rs2539257530, ClinGen allele CA2580078785.
Genomic context (GRCh38, chr8:143,917,811, plus strand): 5'-AGATGAGCTTCCCAGAGTAGGGGTCCTTGTACCCAGTGACGGCGCGCTCGGCCGACAGCA[GCTTGTC>G]CTTGAACTCGGGGCCCACAATGCCCATACGCACAGCCTCCTCCACCGTCAGCTTCAGTCC-3'